The following is an entry in ClinVar:

ClinVar aggregate classification (germline): Uncertain significance (1 of 4 stars; one submission).

Conditions:
Emery-Dreifuss muscular dystrophy 4, autosomal dominant (EDMD4). Also called: EMERY-DREIFUSS MUSCULAR DYSTROPHY 4 WITH VARIABLE FEATURES. Identifiers: Orphanet 261, MedGen C2751807, MONDO:0013071, OMIM 612998.
Autosomal recessive ataxia, Beauce type. Also called: SYNE1 Deficiency; Spinocerebellar ataxia, autosomal recessive 8; ATAXIA, RECESSIVE, OF BEAUCE; SYNE1-Related Autosomal Recessive Cerebellar Ataxia. Identifiers: Orphanet 88644, MedGen C1853116, MONDO:0012549, OMIM 610743.

Submission:

Labcorp Genetics (formerly Invitae), Labcorp
Classification: Uncertain significance for Emery-Dreifuss muscular dystrophy 4, autosomal dominant; Autosomal recessive ataxia, Beauce type. Last evaluated: 2022-03-17. Review status: criteria provided, single submitter. Criteria: Invitae Variant Classification Sherloc (09022015). Collection method: clinical testing. Allele origin: germline.
Comment: This variant has not been reported in the literature in individuals affected with SYNE1-related conditions. Algorithms developed to predict the effect of missense changes on protein structure and function are either unavailable or do not agree on the potential impact of this missense change (SIFT: "Deleterious"; PolyPhen-2: "Benign"; Align-GVGD: "Class C0"). In summary, the available evidence is currently insufficient to determine the role of this variant in disease. Therefore, it has been classified as a Variant of Uncertain Significance. This variant is not present in population databases (gnomAD no frequency). This sequence change replaces valine, which is neutral and non-polar, with isoleucine, which is neutral and non-polar, at codon 3203 of the SYNE1 protein (p.Val3203Ile).

NM_182961.4(SYNE1):c.9586G>A (p.Val3196Ile)

Gene: SYNE1 (spectrin repeat containing nuclear envelope protein 1; minus strand). Cytogenetic location: 6q25.2.
Variant type: single nucleotide variant.
Coding change: c.9586G>A on transcript NM_182961.4 (MANE Select); coding-DNA position 9586, G replaced by A.
Protein change: p.Val3196Ile; replaces valine 3196 with isoleucine.
Molecular consequence: missense variant.
Genome position (GRCh38, 1-based): chr6:152,369,536, C>T on the plus strand (G>A on the coding strand, the complement: SYNE1 is on the minus strand). VCF-style: chr6-152369536-C-T. GRCh37 (hg19) VCF-style: chr6-152690671-C-T.
Other names: c.9607G>A, p.Val3203Ile (NM_033071.5); short protein forms V3203I, V3196I.
Identifiers: ClinVar variation 2080845 (VCV002080845.4), dbSNP rs2489964950, ClinGen allele CA366138397.